The following is an entry in ClinVar:

ClinVar aggregate classification (germline): Uncertain significance (1 of 4 stars; one submission).

Allele frequency attached by ClinVar (database versions not stated): TOPMed below 0.00001.
gnomAD v4.1: 2 of 1,612,378 alleles (0.00012%); highest among the groups gnomAD compares: Non-Finnish European, 0.000085%; no homozygotes.

Submission:

Labcorp Genetics (formerly Invitae), Labcorp
Classification: Uncertain significance. Last evaluated: 2024-02-20. Review status: criteria provided, single submitter. Criteria: Invitae Variant Classification Sherloc (09022015). Collection method: clinical testing. Allele origin: germline.
Comment: This sequence change replaces proline, which is neutral and non-polar, with leucine, which is neutral and non-polar, at codon 727 of the NOTCH3 protein (p.Pro727Leu). This variant is not present in population databases (gnomAD no frequency). This variant has not been reported in the literature in individuals affected with NOTCH3-related conditions. ClinVar contains an entry for this variant (Variation ID: 1434050). Advanced modeling of protein sequence and biophysical properties (such as structural, functional, and spatial information, amino acid conservation, physicochemical variation, residue mobility, and thermodynamic stability) performed at Invitae indicates that this missense variant is not expected to disrupt NOTCH3 protein function with a negative predictive value of 95%. In summary, the available evidence is currently insufficient to determine the role of this variant in disease. Therefore, it has been classified as a Variant of Uncertain Significance.

NM_000435.3(NOTCH3):c.2180C>T (p.Pro727Leu)

Gene: NOTCH3 (notch receptor 3; minus strand). Cytogenetic location: 19p13.12.
Variant type: single nucleotide variant.
Coding change: c.2180C>T on transcript NM_000435.3 (MANE Select); coding-DNA position 2180, C replaced by T.
Protein change: p.Pro727Leu; replaces proline 727 with leucine.
Molecular consequence: missense variant.
Genome position (GRCh38, 1-based): chr19:15,185,373, G>A on the plus strand (C>T on the coding strand, the complement: NOTCH3 is on the minus strand). VCF-style: chr19-15185373-G-A. GRCh37 (hg19) VCF-style: chr19-15296184-G-A.
Other names: short protein forms P727L.
Identifiers: ClinVar variation 1434050 (VCV001434050.6), dbSNP rs2046872807, ClinGen allele CA404521892.